The following is an entry in ClinVar:

ClinVar aggregate classification (germline): Pathogenic (1 of 4 stars; one submission).

Conditions:
Duchenne muscular dystrophy (DMD). Also called: Duchenne Muscular Dystrophy (DMD); MUSCULAR DYSTROPHY, PSEUDOHYPERTROPHIC PROGRESSIVE, DUCHENNE TYPE. Identifiers: Orphanet 98896, MedGen C0013264, MONDO:0010679, OMIM 310200.

Submission:

Labcorp Genetics (formerly Invitae), Labcorp
Classification: Pathogenic for Duchenne muscular dystrophy. Last evaluated: 2024-02-17. Review status: criteria provided, single submitter. Criteria: Invitae Variant Classification Sherloc (09022015). Collection method: clinical testing. Allele origin: germline.
Comment: This sequence change creates a premature translational stop signal (p.Leu1508*) in the DMD gene. It is expected to result in an absent or disrupted protein product. Loss-of-function variants in DMD are known to be pathogenic (PMID: 16770791, 25007885). This variant is not present in population databases (gnomAD no frequency). This premature translational stop signal has been observed in individual(s) with DMD-related conditions (PMID: 25972034). This variant is also known as c.4521_4533del13bp. For these reasons, this variant has been classified as Pathogenic.

Literature cited by the submitters: PubMed 16770791; PubMed 25007885; PubMed 25972034.

NM_004006.3(DMD):c.4523_4535del (p.Asn1507_Leu1508insTer)

Gene: DMD (dystrophin; minus strand). Cytogenetic location: Xp21.1.
Variant type: Deletion.
Coding change: c.4523_4535del on transcript NM_004006.3 (MANE Select); coding-DNA positions 4523 to 4535, 13 bases deleted (TGTATAAAAGTCT).
Protein change: p.Asn1507_Leu1508insTer.
Molecular consequence: nonsense.
Genome position (GRCh38, 1-based): chrX:32,386,449-32,386,461, AGACTTTTATACA deleted on the plus strand (TGTATAAAAGTCT on the coding strand, the reverse complement: DMD is on the minus strand); deleting any 13 consecutive bases within chrX:32,386,449-32,386,463 gives the same sequence; the c. name uses the placement nearest the transcript's 3' end. VCF-style (leftmost placement, unchanged base first): chrX-32386448-CAGACTTTTATACA-C. GRCh37 (hg19) VCF-style: chrX-32404565-CAGACTTTTATACA-C.
Other names: c.4499_4511del, p.Asn1499_Leu1500insTer (NM_000109.4); c.4511_4523del, p.Asn1503_Leu1504insTer (NM_004009.3); c.4154_4166del, p.Asn1384_Leu1385insTer (NM_004010.3); c.500_512del, p.Asn166_Leu167insTer (NM_004011.4); c.491_503del, p.Asn163_Leu164insTer (NM_004012.4).
Identifiers: ClinVar variation 3724161 (VCV003724161.2).